The following is an entry in ClinVar:

NM_000540.3(RYR1):c.12878C>T (p.Ala4293Val)

Gene: RYR1 (ryanodine receptor 1; plus strand). Cytogenetic location: 19q13.2.
Variant type: single nucleotide variant.
Coding change: c.12878C>T on transcript NM_000540.3 (MANE Select); coding-DNA position 12878, C replaced by T.
Protein change: p.Ala4293Val; replaces alanine 4293 with valine.
Molecular consequence: missense variant.
Genome position (GRCh38, 1-based): chr19:38,565,212, C>T. VCF-style: chr19-38565212-C-T. GRCh37 (hg19) VCF-style: chr19-39055852-C-T.
Other names: c.12863C>T, p.Ala4288Val (NM_001042723.2); short protein forms A4288V, A4293V.
Identifiers: ClinVar variation 656792 (VCV000656792.17), dbSNP rs1223090052, ClinGen allele CA405672432.
Genomic context (GRCh38, chr19:38,565,212, plus strand): 5'-AAGGCGCGGAGGAGGGCGCGGCGGGGCTCGAGGGCACGGCGGCCACGGCGGCGGCGGGGG[C>T]GACGGCGCGGGTTGTGGCGGCCGCAGGCCGGGCCCTGCGAGGCCTCAGCTACCGCAGCCT-3'
Protein context (NP_000531.2, residues 4283-4303): EGTAATAAAG[Ala4293Val]TARVVAAAGR

ClinVar aggregate classification (germline): Conflicting classifications of pathogenicity. Review status: criteria provided, conflicting classifications (1 of 4 stars). 5 submissions from 5 submitters: Uncertain significance (4); Likely benign (1). Last evaluated 2025-08-18.

Conditions:
Congenital multicore myopathy with external ophthalmoplegia (CMYO1B). Also called: MULTICORE MYOPATHY; Minicore myopathy with external ophthalmoplegia; Congenital myopathy 1B, autosomal recessive; Minicore myopathy; MULTIMINICORE DISEASE WITH EXTERNAL OPHTHALMOPLEGIA. Identifiers: Orphanet 598, Orphanet 98905, MedGen C1850674, MONDO:0009712, OMIM 255320, HP:0003789.
King Denborough syndrome (KDS). Identifiers: MedGen C1840365, MONDO:0020485, OMIM 619542.
Central core myopathy (CMYO1A). Also called: CONGENITAL MYOPATHY 1A, AUTOSOMAL DOMINANT, WITH SUSCEPTIBILITY TO MALIGNANT HYPERTHERMIA; Central core disease; Myopathy, central fibrillar. Identifiers: Orphanet 597, MedGen C5830701, MONDO:0007294, OMIM 117000.
Malignant hyperthermia, susceptibility to, 1 (MHS1). Also called: RYR1-Related Malignant Hyperthermia Susceptibility; Anesthesia related hyperthermia; Malignant hyperpyrexia; Fulminating hyperpyrexia; Pharmacogenic myopathy; Malignant hyperthermia suceptibility 1. Identifiers: Orphanet 423, MedGen C2930980, MONDO:0007783, OMIM 145600.
Congenital myopathy with fiber type disproportion. Also called: Congenital fiber-type disproportion myopathy; Congenital fiber-type disproportion. Identifiers: Orphanet 2020, MedGen C0546264, MONDO:0009711. Inheritance: all.
RYR1-related disorder. Also called: RYR1-related disorders; RYR1-related condition. Identifiers: MedGen CN239331.

Allele frequency attached by ClinVar (database versions not stated): gnomAD exomes 0.00002; gnomAD 0.00003 and 0.00006; TOPMed 0.00006; 1000 Genomes Project 30x 0.00062.
gnomAD v4.1: 23 of 994,358 alleles (0.0023%); highest among the groups gnomAD compares: East Asian, 0.14%; no homozygotes.

Submissions (5):

Clinical Genomics Laboratory, Washington University in St. Louis
Classification: Uncertain significance for Malignant hyperthermia, susceptibility to, 1. Last evaluated: 2025-08-18. Review status: criteria provided, single submitter. Criteria: ACMG Guidelines, 2015. Collection method: clinical testing. Allele origin: germline.
Comment: The RYR1 c.12878C>T (p.Ala4293Val) variant, to our knowledge, has not been reported in the medical literature but has been reported in the ClinVar database as a germline variant of uncertain significance by three submitters. This variant is only observed on 23/994,358 alleles in the general population (gnomAD v.4.1.0), indicating it is not a common variant. Computational predictors suggest that the variant does not impact ryanodine receptor function. Due to limited information, the ClinGen Malignant Hyperthermia Susceptibility Expert Panel Specifications to the ACMG/AMP Variant Interpretation Guidelines for RYR1 Version 2, the clinical significance of this variant is uncertain at this time.

Labcorp Genetics (formerly Invitae), Labcorp
Classification: Uncertain significance for RYR1-related disorder. Last evaluated: 2025-02-03. Review status: criteria provided, single submitter. Criteria: Invitae Variant Classification Sherloc (09022015). Collection method: clinical testing. Allele origin: germline.
Comment: This sequence change replaces alanine, which is neutral and non-polar, with valine, which is neutral and non-polar, at codon 4293 of the RYR1 protein (p.Ala4293Val). This variant is present in population databases (no rsID available, gnomAD 0.1%). This variant has not been reported in the literature in individuals affected with RYR1-related conditions. ClinVar contains an entry for this variant (Variation ID: 656792). Invitae Evidence Modeling of protein sequence and biophysical properties (such as structural, functional, and spatial information, amino acid conservation, physicochemical variation, residue mobility, and thermodynamic stability) indicates that this missense variant is not expected to disrupt RYR1 protein function with a negative predictive value of 80%. In summary, the available evidence is currently insufficient to determine the role of this variant in disease. Therefore, it has been classified as a Variant of Uncertain Significance.

Women's Health and Genetics/Laboratory Corporation of America, LabCorp
Classification: Uncertain significance. Last evaluated: 2024-04-04. Review status: criteria provided, single submitter. Criteria: LabCorp Variant Classification Summary - May 2015. Collection method: clinical testing. Allele origin: germline.
Comment: Variant summary: RYR1 c.12878C>T (p.Ala4293Val) results in a non-conservative amino acid change in the encoded protein sequence. Four of five in-silico tools predict a benign effect of the variant on protein function. The variant was absent in 306 control chromosomes. The available data on variant occurrences in the general population are insufficient to allow any conclusion about variant significance. To our knowledge, no occurrence of c.12878C>T in individuals affected with Myopathy, RYR1-Associated and no experimental evidence demonstrating its impact on protein function have been reported. ClinVar contains an entry for this variant (Variation ID: 656792). Based on the evidence outlined above, the variant was classified as uncertain significance.

Fulgent Genetics
Classification: Uncertain significance for Central core myopathy; Malignant hyperthermia, susceptibility to, 1; Congenital myopathy 4A, autosomal dominant; Congenital multicore myopathy with external ophthalmoplegia; King Denborough syndrome. Last evaluated: 2021-09-29. Review status: criteria provided, single submitter. Criteria: ACMG Guidelines, 2015. Collection method: clinical testing. Allele origin: unknown.

Blueprint Genetics
Classification: Likely benign. Last evaluated: 2017-07-05. Review status: criteria provided, single submitter. Criteria: ACMG Guidelines, 2015. Collection method: clinical testing. Allele origin: germline.